The following is an entry in ClinVar:

NM_000368.5(TSC1):c.2198A>C (p.Asn733Thr)

Gene: TSC1 (TSC complex subunit 1; minus strand). Cytogenetic location: 9q34.13.
Variant type: single nucleotide variant.
Coding change: c.2198A>C on transcript NM_000368.5 (MANE Select); coding-DNA position 2198, A replaced by C.
Protein change: p.Asn733Thr; replaces asparagine 733 with threonine.
Molecular consequence: missense variant.
Genome position (GRCh38, 1-based): chr9:132,903,661, T>G on the plus strand (A>C on the coding strand, the complement: TSC1 is on the minus strand). VCF-style: chr9-132903661-T-G. GRCh37 (hg19) VCF-style: chr9-135779048-T-G.
Other names: c.2195A>C, p.Asn732Thr (NM_001162426.2); c.2045A>C, p.Asn682Thr (NM_001162427.2); c.1835A>C, p.Asn612Thr (NM_001362177.2); short protein forms N733T, N682T, N612T, N732T.
Identifiers: ClinVar variation 575593 (VCV000575593.10), dbSNP rs1564478277, ClinGen allele CA375360608.

ClinVar aggregate classification (germline): Uncertain significance (1 of 4 stars; one submission).

Conditions:
Tuberous sclerosis 1 (TSC1). Identifiers: Orphanet 805, MedGen C1854465, MONDO:0008612, OMIM 191100.

Submission:

Labcorp Genetics (formerly Invitae), Labcorp
Classification: Uncertain significance for Tuberous sclerosis 1. Last evaluated: 2019-07-24. Review status: criteria provided, single submitter. Criteria: Invitae Variant Classification Sherloc (09022015). Collection method: clinical testing. Allele origin: germline.
Comment: In summary, the available evidence is currently insufficient to determine the role of this variant in disease. Therefore, it has been classified as a Variant of Uncertain Significance. Algorithms developed to predict the effect of missense changes on protein structure and function (SIFT, PolyPhen-2, Align-GVGD) all suggest that this variant is likely to be tolerated, but these predictions have not been confirmed by published functional studies and their clinical significance is uncertain. This variant has not been reported in the literature in individuals with TSC1-related disease. This variant is not present in population databases (ExAC no frequency). This sequence change replaces asparagine with threonine at codon 733 of the TSC1 protein (p.Asn733Thr). The asparagine residue is moderately conserved and there is a small physicochemical difference between asparagine and threonine.